The following is an entry in ClinVar:

NM_001844.5(COL2A1):c.1681-2A>G

Gene: COL2A1 (collagen type II alpha 1 chain; minus strand). Cytogenetic location: 12q13.11.
Variant type: single nucleotide variant.
Coding change: c.1681-2A>G on transcript NM_001844.5 (MANE Select); the canonical splice acceptor site of the intron before coding-DNA position 1681, A replaced by G.
Molecular consequence: splice acceptor variant.
Genome position (GRCh38, 1-based): chr12:47,985,589, T>C on the plus strand (A>G on the coding strand, the complement: COL2A1 is on the minus strand). VCF-style: chr12-47985589-T-C. GRCh37 (hg19) VCF-style: chr12-48379372-T-C.
Other names: c.1474-2A>G (NM_033150.3).
Identifiers: ClinVar variation 1491589 (VCV001491589.9), dbSNP rs2136566722, ClinGen allele CA384551256.

ClinVar aggregate classification (germline): Likely pathogenic. Review status: criteria provided, multiple submitters, no conflicts (2 of 4 stars). 2 submissions from 2 submitters: Likely pathogenic (2). Last evaluated 2023-12-22.

Conditions:
COL2A1-related disorder. Also called: COL2A1-related condition; COL2A1-related disorders.

Submissions (2):

Blueprint Genetics
Classification: Likely pathogenic for COL2A1-related disorders. Last evaluated: 2023-12-22. Review status: criteria provided, single submitter. Criteria: ACMG Guidelines, 2015. Collection method: clinical testing. Allele origin: germline. Affected: yes. Observed: 1 variant allele.

Labcorp Genetics (formerly Invitae), Labcorp
Classification: Likely pathogenic. Last evaluated: 2021-01-29. Review status: criteria provided, single submitter. Criteria: Invitae Variant Classification Sherloc (09022015). Collection method: clinical testing. Allele origin: germline.
Comment: In summary, the currently available evidence indicates that the variant is pathogenic, but additional data are needed to prove that conclusively. Therefore, this variant has been classified as Likely Pathogenic. Algorithms developed to predict the effect of sequence changes on RNA splicing suggest that this variant may disrupt the consensus splice site, but this prediction has not been confirmed by published transcriptional studies. This variant has not been reported in the literature in individuals with COL2A1-related conditions. This variant is not present in population databases (ExAC no frequency). This sequence change affects an acceptor splice site in intron 25 of the COL2A1 gene. It is expected to disrupt RNA splicing. Variants that disrupt the donor or acceptor splice site typically lead to a loss of protein function (PMID: 16199547), and loss-of-function variants in COL2A1 are known to be pathogenic (PMID: 20179744).

Literature cited by the submitters: PubMed 16199547 (cited by Labcorp Genetics (formerly Invitae), Labcorp); PubMed 20179744 (cited by Labcorp Genetics (formerly Invitae), Labcorp).